The following is an entry in ClinVar:

NM_000051.4(ATM):c.5246T>A (p.Phe1749Tyr)

Gene: ATM (ATM serine/threonine kinase; plus strand). Cytogenetic location: 11q22.3.
Variant type: single nucleotide variant.
Coding change: c.5246T>A on transcript NM_000051.4 (MANE Select); coding-DNA position 5246, T replaced by A.
Protein change: p.Phe1749Tyr; replaces phenylalanine 1749 with tyrosine.
Molecular consequence: missense variant.
Genome position (GRCh38, 1-based): chr11:108,301,716, T>A. VCF-style: chr11-108301716-T-A. GRCh37 (hg19) VCF-style: chr11-108172443-T-A.
Other names: c.5246T>A, p.Phe1749Tyr (NM_001351834.2); short protein forms F1749Y.
Identifiers: ClinVar variation 1313678 (VCV001313678.2), dbSNP rs1591708790, ClinGen allele CA382542443.

ClinVar aggregate classification (germline): Uncertain significance (1 of 4 stars; one submission).

Submission:

GeneDx
Classification: Uncertain significance. Last evaluated: 2020-11-19. Review status: criteria provided, single submitter. Criteria: GeneDx Variant Classification Process June 2021. Collection method: clinical testing. Allele origin: germline. Affected: yes.
Comment: Not observed in large population cohorts (Lek et al., 2016); In silico analysis supports that this missense variant does not alter protein structure/function; Has not been previously published as pathogenic or benign to our knowledge